The following is an entry in ClinVar:

ClinVar aggregate classification (germline): Pathogenic/Likely pathogenic. Review status: criteria provided, multiple submitters, no conflicts (2 of 4 stars). 5 submissions from 5 submitters: Pathogenic (2); Likely pathogenic (3). Last evaluated 2025-04-14.

Conditions:
Microcephaly, normal intelligence and immunodeficiency (NBS). Also called: SEEMANOVA SYNDROME II; Immunodeficiency, microcephaly with normal intelligence; IMMUNODEFICIENCY, MICROCEPHALY, AND CHROMOSOMAL INSTABILITY; Ataxia telangiectasia variant V1; BERLIN BREAKAGE SYNDROME; Nijmegen breakage syndrome. Identifiers: Orphanet 647, MedGen C0398791, MONDO:0009623, OMIM 251260.
Aplastic anemia. Identifiers: Orphanet 182040, Orphanet 88, MedGen C0002874, MONDO:0015909, OMIM 609135, HP:0001915.
Acute lymphoid leukemia (ALL). Also called: Acute lymphoblastic leukemia; Acute lymphocytic leukemia; Lymphoblastic leukemia; Leukemia, acute lymphoblastic, somatic. Identifiers: Orphanet 513, MedGen C0023449, MONDO:0004967, OMIM 613065, HP:0006721.
Hereditary cancer-predisposing syndrome. Also called: Neoplastic Syndromes, Hereditary; Hereditary neoplastic syndrome; Tumor predisposition; Hereditary Cancer Syndrome. Identifiers: Orphanet 140162, MedGen C0027672, MeSH D009386, MONDO:0015356.

Allele frequency attached by ClinVar (database versions not stated): gnomAD exomes below 0.00001.
gnomAD v4.1: 3 of 1,614,058 alleles (0.00019%); highest among the groups gnomAD compares: Non-Finnish European, 0.00025%; no homozygotes.

Submissions (5):

Natera, Inc.
Classification: Likely pathogenic for Nijmegen breakage syndrome. Last evaluated: 2025-04-14. Review status: criteria provided, single submitter. Criteria: Natera Variant Classification Schema (03/2026). Collection method: clinical testing. Allele origin: germline.
Comment: The c.1106C>G variant in NBN is a nonsense variant predicted to introduce a stop codon at amino acid 369. This variant is expected to result in nonsense mediated decay, truncation, or a dysfunctional protein product. This variant is rare in the general population with a frequency below the threshold expected for the associated phenotype(s). Given the available evidence, this variant is classified as Likely Pathogenic.

Baylor Genetics
Classification: Likely pathogenic for Aplastic anemia. Last evaluated: 2024-03-04. Review status: criteria provided, single submitter. Criteria: ACMG Guidelines, 2015. Collection method: clinical testing. Allele origin: unknown.

Ambry Genetics
Classification: Pathogenic for Hereditary cancer-predisposing syndrome. Last evaluated: 2023-11-16. Review status: criteria provided, single submitter. Criteria: Ambry Variant Classification Scheme 2023. Collection method: clinical testing. Allele origin: germline.
Comment: The p.S369* pathogenic mutation (also known as c.1106C>G), located in coding exon 9 of the NBN gene, results from a C to G substitution at nucleotide position 1106. This changes the amino acid from a serine to a stop codon within coding exon 9. This alteration is expected to result in loss of function by premature protein truncation or nonsense-mediated mRNA decay. As such, this alteration is interpreted as a disease-causing mutation.

Labcorp Genetics (formerly Invitae), Labcorp
Classification: Pathogenic for Microcephaly, normal intelligence and immunodeficiency. Last evaluated: 2023-07-17. Review status: criteria provided, single submitter. Criteria: Invitae Variant Classification Sherloc (09022015). Collection method: clinical testing. Allele origin: germline.
Comment: This variant is not present in population databases (gnomAD no frequency). This sequence change creates a premature translational stop signal (p.Ser369*) in the NBN gene. It is expected to result in an absent or disrupted protein product. Loss-of-function variants in NBN are known to be pathogenic (PMID: 9590180, 16415040). This variant has not been reported in the literature in individuals affected with NBN-related conditions. ClinVar contains an entry for this variant (Variation ID: 1073756). For these reasons, this variant has been classified as Pathogenic.

Fulgent Genetics
Classification: Likely pathogenic for Microcephaly, normal intelligence and immunodeficiency; Aplastic anemia; Acute lymphoid leukemia. Last evaluated: 2022-04-10. Review status: criteria provided, single submitter. Criteria: ACMG Guidelines, 2015. Collection method: clinical testing. Allele origin: unknown.

Literature cited by the submitters: PubMed 9590180 (cited by Labcorp Genetics (formerly Invitae), Labcorp); PubMed 16415040 (cited by Labcorp Genetics (formerly Invitae), Labcorp).

NM_002485.5(NBN):c.1106C>G (p.Ser369Ter)

Gene: NBN (nibrin; minus strand). Cytogenetic location: 8q21.3.
Variant type: single nucleotide variant.
Coding change: c.1106C>G on transcript NM_002485.5 (MANE Select); coding-DNA position 1106, C replaced by G.
Protein change: p.Ser369Ter; replaces serine 369 with a stop codon.
Molecular consequence: nonsense.
Genome position (GRCh38, 1-based): chr8:89,958,743, G>C on the plus strand (C>G on the coding strand, the complement: NBN is on the minus strand). VCF-style: chr8-89958743-G-C. GRCh37 (hg19) VCF-style: chr8-90970971-G-C.
Other names: c.860C>G, p.Ser287Ter (NM_001024688.3); short protein forms S287*, S369*.
Identifiers: ClinVar variation 1073756 (VCV001073756.13), dbSNP rs2129744741, ClinGen allele CA371656597.